The following is an entry in ClinVar:

ClinVar aggregate classification (germline): Benign/Likely benign. Review status: criteria provided, multiple submitters, no conflicts (2 of 4 stars). 5 submissions from 5 submitters: Benign (3); Likely benign (2). Last evaluated 2026-02-04.

Allele frequency attached by ClinVar (database versions not stated): 1000 Genomes Project 0.01158; 1000 Genomes Project 30x 0.01280; TOPMed 0.01610; ESP Exome Variant Server 0.01838.
gnomAD v4.1: 21,900 of 1,614,106 alleles (1.4%); highest among the groups gnomAD compares: African/African-American, 2.5%; 197 homozygotes.

Submissions (5):

Labcorp Genetics (formerly Invitae), Labcorp
Classification: Benign. Last evaluated: 2026-02-04. Review status: criteria provided, single submitter. Criteria: Invitae Variant Classification Sherloc (09022015). Collection method: clinical testing. Allele origin: germline.

Women's Health and Genetics/Laboratory Corporation of America, LabCorp
Classification: Likely benign. Last evaluated: 2026-01-21. Review status: criteria provided, single submitter. Criteria: LabCorp Variant Classification Summary - May 2015. Collection method: clinical testing. Allele origin: germline.

Blueprint Genetics
Classification: Likely benign. Last evaluated: 2024-11-27. Review status: criteria provided, single submitter. Criteria: ACMG Guidelines, 2015. Collection method: clinical testing. Allele origin: germline.

Mayo Clinic Laboratories, Mayo Clinic
Classification: Benign. Last evaluated: 2024-03-07. Review status: criteria provided, single submitter. Criteria: ACMG Guidelines, 2015. Collection method: clinical testing. Allele origin: germline. Observed: 10 variant alleles.
Comment: BS1, BS2, BP4

Breakthrough Genomics
Classification: Benign. Review status: criteria provided, single submitter. Criteria: ACMG Guidelines, 2015. Collection method: not provided. Allele origin: germline. Inheritance: Autosomal recessive inheritance. Affected: yes.

NM_033004.4(NLRP1):c.2815G>A (p.Val939Met)

Gene: NLRP1 (NLR family pyrin domain containing 1; minus strand). Cytogenetic location: 17p13.2.
Variant type: single nucleotide variant.
Coding change: c.2815G>A on transcript NM_033004.4 (MANE Select); coding-DNA position 2815, G replaced by A.
Protein change: p.Val939Met; replaces valine 939 with methionine.
Molecular consequence: missense variant.
Genome position (GRCh38, 1-based): chr17:5,539,470, C>T on the plus strand (G>A on the coding strand, the complement: NLRP1 is on the minus strand). VCF-style: chr17-5539470-C-T. GRCh37 (hg19) VCF-style: chr17-5442790-C-T.
Other names: p.Val939Met; c.2815G>A, p.Val939Met (NM_001033053.3, NM_014922.5, NM_033006.4 and 1 more transcripts); short protein forms V939M.
Identifiers: ClinVar variation 1164601 (VCV001164601.13), dbSNP rs61754791, ClinGen allele CA8327051.